The following is an entry in ClinVar:

NM_001379081.2(FREM1):c.4504G>A (p.Val1502Met)

Gene: FREM1 (FRAS1 related extracellular matrix 1; minus strand). Cytogenetic location: 9p22.3.
Variant type: single nucleotide variant.
Coding change: c.4504G>A on transcript NM_001379081.2 (MANE Select); coding-DNA position 4504, G replaced by A.
Protein change: p.Val1502Met; replaces valine 1502 with methionine.
Molecular consequence: missense variant. On other transcripts: non-coding transcript variant (2).
Genome position (GRCh38, 1-based): chr9:14,776,142, C>T on the plus strand (G>A on the coding strand, the complement: FREM1 is on the minus strand). VCF-style: chr9-14776142-C-T. GRCh37 (hg19) VCF-style: chr9-14776140-C-T.
Other names: c.112G>A, p.Val38Met (NM_001177704.3, NM_001370058.2, NM_001370061.2); c.4504G>A, p.Val1502Met (NM_144966.7); short protein forms V1502M, V38M.
Identifiers: ClinVar variation 366121 (VCV000366121.17), dbSNP rs10961700, ClinGen allele CA4990144.
Genomic context (GRCh38, chr9:14,776,142, plus strand): 5'-CGGCCCCTTGGGCCAGTCTCAACCCCTTGTTCCTGGTTACCACAGGCAGGGCTCTGTCCA[C>T]AGTCTCCAGTGTGATCTCAAACACCCCGTGCTCGGTCCGCAGTCCATTGCTGATGATGAA-3'
Protein context (NP_001366010.1, residues 1492-1512): HGVFEITLET[Val1502Met]DRALPVVTRN

ClinVar aggregate classification (germline): Benign. Review status: criteria provided, multiple submitters, no conflicts (2 of 4 stars). 6 submissions from 6 submitters: Benign (6). Last evaluated 2026-02-04.

Conditions:
Oculotrichoanal syndrome (MOTA). Also called: MARLES SYNDROME; Manitoba Oculotrichoanal (MOTA) Syndrome. Identifiers: Orphanet 2717, MedGen C1855425, MONDO:0009560, OMIM 248450.

Allele frequency attached by ClinVar (database versions not stated): 1000 Genomes Project 0.08147; TOPMed 0.10161; gnomAD 0.11525 and 0.11621; 1000 Genomes Project 30x 0.07979; ESP Exome Variant Server 0.11893; gnomAD exomes 0.12667 and 0.15192; ExAC 0.13351.
gnomAD v4.1: 232,401 of 1,575,784 alleles (15%); highest among the groups gnomAD compares: Non-Finnish European, 16%; 18,662 homozygotes.

Submissions (6):

Labcorp Genetics (formerly Invitae), Labcorp
Classification: Benign. Last evaluated: 2026-02-04. Review status: criteria provided, single submitter. Criteria: Invitae Variant Classification Sherloc (09022015). Collection method: clinical testing. Allele origin: germline.

Blueprint Genetics
Classification: Benign. Last evaluated: 2024-11-27. Review status: criteria provided, single submitter. Criteria: ACMG Guidelines, 2015. Collection method: clinical testing. Allele origin: germline.

Mayo Clinic Laboratories, Mayo Clinic
Classification: Benign. Last evaluated: 2022-03-09. Review status: criteria provided, single submitter. Criteria: ACMG Guidelines, 2015. Collection method: clinical testing. Allele origin: germline. Observed: 15 variant alleles.

GeneDx
Classification: Benign. Last evaluated: 2021-05-04. Review status: criteria provided, single submitter. Criteria: GeneDx Variant Classification Process June 2021. Collection method: clinical testing. Allele origin: germline. Affected: yes.

Illumina Laboratory Services, Illumina
Classification: Benign for Oculotrichoanal syndrome. Last evaluated: 2018-01-13. Review status: criteria provided, single submitter. Criteria: ICSL Variant Classification Criteria 13 December 2019. Collection method: clinical testing. Allele origin: germline.
Comment: This variant was observed in the ICSL laboratory as part of a predisposition screen in an ostensibly healthy population. It had not been previously curated by ICSL or reported in the Human Gene Mutation Database (HGMD: prior to June 1st, 2018), and was therefore a candidate for classification through an automated scoring system. Utilizing variant allele frequency, disease prevalence and penetrance estimates, and inheritance mode, an automated score was calculated to assess if this variant is too frequent to cause the disease. Based on the score and internal cut-off values, a variant classified as benign is not then subjected to further curation. The score for this variant resulted in a classification of benign for this disease.

Breakthrough Genomics
Classification: Benign. Review status: criteria provided, single submitter. Criteria: ACMG Guidelines, 2015. Collection method: not provided. Allele origin: germline. Inheritance: Autosomal recessive inheritance. Affected: yes.